The following is an entry in ClinVar:

ClinVar aggregate classification (germline): Pathogenic (1 of 4 stars; one submission).

Conditions:
Alstrom syndrome (ALMS). Identifiers: Orphanet 64, MedGen C0268425, MONDO:0008763, OMIM 203800.

Submission:

Labcorp Genetics (formerly Invitae), Labcorp
Classification: Pathogenic for Alstrom syndrome. Last evaluated: 2020-12-27. Review status: criteria provided, single submitter. Criteria: Invitae Variant Classification Sherloc (09022015). Collection method: clinical testing. Allele origin: germline.
Comment: This variant has not been reported in the literature in individuals with ALMS1-related conditions. This variant is not present in population databases (ExAC no frequency). This sequence change creates a premature translational stop signal (p.Ser3092Tyrfs*13) in the ALMS1 gene. It is expected to result in an absent or disrupted protein product. Loss-of-function variants in ALMS1 are known to be pathogenic (PMID: 17594715). For these reasons, this variant has been classified as Pathogenic.

Literature cited by the submitters: PubMed 17594715.

NM_001378454.1(ALMS1):c.9268_9269dup (p.Ser3091fs)

Gene: ALMS1 (ALMS1 centrosome and basal body associated protein; plus strand). Cytogenetic location: 2p13.1.
Variant type: Duplication.
Coding change: c.9268_9269dup on transcript NM_001378454.1 (MANE Select); coding-DNA positions 9268 to 9269, 2 bases duplicated (GT; older notation c.9268_9269dupGT).
Protein change: p.Ser3091fs; shifts the reading frame from serine 3091.
Molecular consequence: frameshift variant.
Genome position (GRCh38, 1-based): chr2:73,491,227-73,491,228, GT duplicated; duplicating any 2 consecutive bases within chr2:73,491,226-73,491,228 gives the same sequence; the c. name uses the placement nearest the transcript's 3' end. VCF-style (leftmost placement, unchanged base first): chr2-73491225-C-CTG. GRCh37 (hg19) VCF-style: chr2-73718352-C-CTG.
Other names: c.9271_9272dup, p.Ser3092fs (NM_015120.4); short protein forms S3091fs, S3092fs.
Identifiers: ClinVar variation 1396442 (VCV001396442.6), dbSNP rs2103895390, ClinGen allele CA2573135784.
Genomic context (GRCh38, chr2:73,491,225, plus strand): 5'-ATTCATTGGATGCTGCTTCTAAAGCGAGGATGAATAGTGAGTTTAACTTTGACTTACATA[C>CTG]TGTATCTTCGAGATCACTGGAACCAACCTCCAAATTATTGACCAGTAAACCTGTAGCACA-3'